The following is an entry in ClinVar:

ClinVar aggregate classification (germline): Conflicting classifications of pathogenicity. Review status: criteria provided, conflicting classifications (1 of 4 stars). 2 submissions from 2 submitters: Uncertain significance (1); Likely benign (1). Last evaluated 2025-12-08.

Conditions:
Ehlers-Danlos syndrome, classic type, 1 (EDSCL1). Also called: EHLERS-DANLOS SYNDROME, GRAVIS TYPE; EHLERS-DANLOS SYNDROME, SEVERE CLASSIC TYPE; EDS I; Ehlers-Danlos Syndrome, Classic Type, COL5A1-Related; Ehlers-Danlos syndrome, type 1. Identifiers: MedGen C0268335, MONDO:0019567, OMIM 130000.

Allele frequency attached by ClinVar (database versions not stated): gnomAD exomes 0.00001; TOPMed 0.00001; ExAC 0.00001; gnomAD 0.00003.
gnomAD v4.1: 5 of 1,613,946 alleles (0.00031%); highest among the groups gnomAD compares: African/African-American, 0.0053%; no homozygotes.

Submissions (2):

Labcorp Genetics (formerly Invitae), Labcorp
Classification: Likely benign for Ehlers-Danlos syndrome, classic type, 1. Last evaluated: 2025-12-08. Review status: criteria provided, single submitter. Criteria: Invitae Variant Classification Sherloc (09022015). Collection method: clinical testing. Allele origin: germline.

GeneDx
Classification: Uncertain significance. Last evaluated: 2019-03-28. Review status: criteria provided, single submitter. Criteria: GeneDx Variant Classification Process June 2021. Collection method: clinical testing. Allele origin: germline. Affected: yes.
Comment: Not observed at a significant frequency in large population cohorts (Lek et al., 2016); In silico analysis, which includes protein predictors and evolutionary conservation, supports a deleterious effect; Has not been previously published as pathogenic or benign to our knowledge; Not located in the triple helical region, where the majority of pathogenic missense variants occur (Symoens et al. 2012; Stenson et al., 2016)

NM_000393.5(COL5A2):c.602A>C (p.Lys201Thr)

Gene: COL5A2 (collagen type V alpha 2 chain; minus strand). Cytogenetic location: 2q32.2.
Variant type: single nucleotide variant.
Coding change: c.602A>C on transcript NM_000393.5 (MANE Select); coding-DNA position 602, A replaced by C.
Protein change: p.Lys201Thr; replaces lysine 201 with threonine.
Molecular consequence: missense variant.
Genome position (GRCh38, 1-based): chr2:189,088,738, T>G on the plus strand (A>C on the coding strand, the complement: COL5A2 is on the minus strand). VCF-style: chr2-189088738-T-G. GRCh37 (hg19) VCF-style: chr2-189953464-T-G.
Other names: short protein forms K201T.
Identifiers: ClinVar variation 1008774 (VCV001008774.12), dbSNP rs758156613, ClinGen allele CA2023009.